The following is an entry in ClinVar:

NM_003193.5(TBCE):c.635A>G (p.Asn212Ser)

Gene: TBCE (tubulin folding cofactor E; plus strand). Cytogenetic location: 1q42.3.
Variant type: single nucleotide variant.
Coding change: c.635A>G on transcript NM_003193.5 (MANE Select); coding-DNA position 635, A replaced by G.
Protein change: p.Asn212Ser; replaces asparagine 212 with serine.
Molecular consequence: missense variant.
Genome position (GRCh38, 1-based): chr1:235,430,779, A>G. VCF-style: chr1-235430779-A-G. GRCh37 (hg19) VCF-style: chr1-235594094-A-G.
Other names: c.635A>G, p.Asn212Ser (NM_001079515.3, NM_001287801.2); c.296A>G, p.Asn99Ser (NM_001287802.2); short protein forms N212S, N99S.
Identifiers: ClinVar variation 1949929 (VCV001949929.5), dbSNP rs1572419607, ClinGen allele CA344933519.

ClinVar aggregate classification (germline): Uncertain significance (1 of 4 stars; one submission).

Submission:

Labcorp Genetics (formerly Invitae), Labcorp
Classification: Uncertain significance. Last evaluated: 2025-06-12. Review status: criteria provided, single submitter. Criteria: Invitae Variant Classification Sherloc (09022015). Collection method: clinical testing. Allele origin: germline.
Comment: This sequence change replaces asparagine, which is neutral and polar, with serine, which is neutral and polar, at codon 212 of the TBCE protein (p.Asn212Ser). This variant is not present in population databases (gnomAD no frequency). This variant has not been reported in the literature in individuals affected with TBCE-related conditions. ClinVar contains an entry for this variant (Variation ID: 1949929). Invitae Evidence Modeling of protein sequence and biophysical properties (such as structural, functional, and spatial information, amino acid conservation, physicochemical variation, residue mobility, and thermodynamic stability) indicates that this missense variant is not expected to disrupt TBCE protein function with a negative predictive value of 80%. In summary, the available evidence is currently insufficient to determine the role of this variant in disease. Therefore, it has been classified as a Variant of Uncertain Significance.